The following is an entry in ClinVar:

NM_000786.4(CYP51A1):c.1225G>A (p.Val409Ile)

Gene: CYP51A1 (cytochrome P450 family 51 subfamily A member 1; minus strand). Cytogenetic location: 7q21.2.
Variant type: single nucleotide variant.
Coding change: c.1225G>A on transcript NM_000786.4 (MANE Select); coding-DNA position 1225, G replaced by A.
Protein change: p.Val409Ile; replaces valine 409 with isoleucine.
Molecular consequence: missense variant.
Genome position (GRCh38, 1-based): chr7:92,117,170, C>T on the plus strand (G>A on the coding strand, the complement: CYP51A1 is on the minus strand). VCF-style: chr7-92117170-C-T. GRCh37 (hg19) VCF-style: chr7-91746484-C-T.
Other names: c.910G>A, p.Val304Ile (NM_001146152.2); short protein forms V304I, V409I.
Identifiers: ClinVar variation 4704600 (VCV004704600.1).

ClinVar aggregate classification (germline): Uncertain significance (1 of 4 stars; one submission).

gnomAD v4.1: 2 of 1,614,064 alleles (0.00012%); highest among the groups gnomAD compares: Non-Finnish European, 0.00017%; no homozygotes.

Submission:

Labcorp Genetics (formerly Invitae), Labcorp
Classification: Uncertain significance. Last evaluated: 2025-12-22. Review status: criteria provided, single submitter. Criteria: Invitae Variant Classification Sherloc (09022015). Collection method: clinical testing. Allele origin: germline.
Comment: This sequence change replaces valine, which is neutral and non-polar, with isoleucine, which is neutral and non-polar, at codon 409 of the CYP51A1 protein (p.Val409Ile). This variant is present in population databases (no rsID available, gnomAD 0.003%). This variant has not been reported in the literature in individuals affected with CYP51A1-related conditions. An algorithm developed to predict the effect of missense changes on protein structure and function (PolyPhen-2) suggests that this variant is likely to be tolerated. In summary, the available evidence is currently insufficient to determine the role of this variant in disease. Therefore, it has been classified as a Variant of Uncertain Significance.